The following is an entry in ClinVar:

ClinVar aggregate classification (germline): Likely benign (0 of 4 stars; one submission).

Conditions:
APC-related disorder. Also called: APC-related condition.

gnomAD v4.1: 1 of 962,738 alleles (0.0001%); highest among the groups gnomAD compares: Non-Finnish European, 0.00012%; no homozygotes.

Submission:

PreventionGenetics, part of Exact Sciences
Classification: Likely benign for APC-related condition. Last evaluated: 2022-08-15. Review status: no assertion criteria provided. Collection method: clinical testing. Allele origin: germline.
Comment: This variant is classified as likely benign based on ACMG/AMP sequence variant interpretation guidelines (Richards et al. 2015 PMID: 25741868, with internal and published modifications).

NM_001127511.3(APC):c.166-28533G>C

Gene: APC (APC regulator of Wnt signaling pathway; plus strand). Cytogenetic location: 5q22.2.
Variant type: single nucleotide variant.
Coding change: c.166-28533G>C on transcript NM_001127511.3; 28533 bases into the intron before coding-DNA position 166, G replaced by C.
Molecular consequence: intron variant.
Genome position (GRCh38, 1-based): chr5:112,737,793, G>C. VCF-style: chr5-112737793-G-C. GRCh37 (hg19) VCF-style: chr5-112073490-G-C.
Other names: c.-1053-17080G>C (NM_001407470.1, NM_001407472.1); c.-18-17080G>C (NM_001407447.1, NM_001354895.2, NM_001407456.1 and 7 more transcripts); c.166-28533G>C (NM_001407446.1, NM_001354897.2, NM_001354902.2); c.-42-28533G>C (NM_001407453.1).
Identifiers: ClinVar variation 3043908 (VCV003043908.2), dbSNP rs924105261, ClinGen allele CA2674863701.
Genomic context (GRCh38, chr5:112,737,793, plus strand): 5'-GTGCGGGTCGGGAAGCGGAGAGAGAAGCAGCTGTGTAATCCGCTGGATGCGGACCAGGGC[G>C]CTCCCCATTCCCGTCGGGAGCCCGCCGATTGGCTGGGTGTGGGCGCACGTGACCGACATG-3'